The following is an entry in ClinVar:

ClinVar aggregate classification (germline): Uncertain significance (1 of 4 stars; one submission).

Conditions:
Inborn genetic diseases. Identifiers: MedGen C0950123, MeSH D030342.

gnomAD v4.1: 1 of 1,606,484 alleles (0.000062%); highest among the groups gnomAD compares: South Asian, 0.0011%; no homozygotes.

Submission:

Ambry Genetics
Classification: Uncertain significance for Inborn genetic diseases. Last evaluated: 2026-04-10. Review status: criteria provided, single submitter. Criteria: Ambry Variant Classification Scheme 2023. Collection method: clinical testing. Allele origin: germline.
Comment: The p.P1396A variant (also known as c.4186C>G), located in coding exon 14 of the FANCM gene, results from a C to G substitution at nucleotide position 4186. The proline at codon 1396 is replaced by alanine, an amino acid with highly similar properties. This amino acid position is conserved. In addition, this alteration is predicted to be tolerated by in silico analysis. Based on the available evidence, the clinical significance of this variant remains unclear.

NM_020937.4(FANCM):c.4186C>G (p.Pro1396Ala)

Gene: FANCM (FA complementation group M; plus strand). Cytogenetic location: 14q21.2.
Variant type: single nucleotide variant.
Coding change: c.4186C>G on transcript NM_020937.4 (MANE Select); coding-DNA position 4186, C replaced by G.
Protein change: p.Pro1396Ala; replaces proline 1396 with alanine.
Molecular consequence: missense variant.
Genome position (GRCh38, 1-based): chr14:45,176,940, C>G. VCF-style: chr14-45176940-C-G. GRCh37 (hg19) VCF-style: chr14-45646143-C-G.
Other names: c.4108C>G, p.Pro1370Ala (NM_001308133.2); short protein forms P1370A, P1396A.
Identifiers: ClinVar variation 4871071 (VCV004871071.1).